The following is an entry in ClinVar:

NM_021095.4(SLC5A6):c.1899C>T (p.Thr633=)

Gene: SLC5A6 (solute carrier family 5 member 6; minus strand). Cytogenetic location: 2p23.3.
Variant type: single nucleotide variant.
Coding change: c.1899C>T on transcript NM_021095.4 (MANE Select); coding-DNA position 1899, C replaced by T.
Protein change: p.Thr633=; no amino-acid change (threonine 633 retained).
Molecular consequence: synonymous variant. On other transcripts: non-coding transcript variant (1).
Genome position (GRCh38, 1-based): chr2:27,200,445, G>A on the plus strand (C>T on the coding strand, the complement: SLC5A6 is on the minus strand). VCF-style: chr2-27200445-G-A. GRCh37 (hg19) VCF-style: chr2-27423313-G-A.
Identifiers: ClinVar variation 4994751 (VCV004994751.1).

ClinVar aggregate classification (germline): Likely benign (1 of 4 stars; one submission).

Conditions:
SLC5A6-related disorder.

Submission:

PreventionGenetics, part of Exact Sciences
Classification: Likely benign for SLC5A6-related condition. Last evaluated: 2025-12-07. Review status: criteria provided, single submitter. Criteria: ACMG Guidelines, 2015. Collection method: clinical testing. Allele origin: germline.
Comment: This variant is classified as likely benign based on ACMG/AMP sequence variant interpretation guidelines (Richards et al. 2015 PMID: 25741868, with internal and published modifications).